The following is an entry in ClinVar:

NM_001042413.2(GLIS3):c.954C>T (p.Thr318=)

Gene: GLIS3 (GLIS family zinc finger 3; minus strand). Cytogenetic location: 9p24.2.
Variant type: single nucleotide variant.
Coding change: c.954C>T on transcript NM_001042413.2 (MANE Select); coding-DNA position 954, C replaced by T.
Protein change: p.Thr318=; no amino-acid change (threonine 318 retained).
Molecular consequence: synonymous variant.
Genome position (GRCh38, 1-based): chr9:4,118,524, G>A on the plus strand (C>T on the coding strand, the complement: GLIS3 is on the minus strand). VCF-style: chr9-4118524-G-A. GRCh37 (hg19) VCF-style: chr9-4118524-G-A.
Other names: c.489C>T, p.Thr163= (NM_152629.4).
Identifiers: ClinVar variation 366988 (VCV000366988.46), dbSNP rs75564360, ClinGen allele CA4968357.

ClinVar aggregate classification (germline): Benign/Likely benign. Review status: criteria provided, multiple submitters, no conflicts (2 of 4 stars). 8 submissions from 8 submitters: Benign (2); Likely benign (5). 1 of the submissions does not count toward it. Last evaluated 2025-12-17.

Conditions:
Transitory neonatal diabetes mellitus. Also called: Transient neonatal diabetes mellitus. Identifiers: MedGen C0342273, MONDO:0020525, HP:0008255.
GLIS3-related disorder. Also called: GLIS3-related condition.
Neonatal diabetes mellitus with congenital hypothyroidism. Also called: NDH SYNDROME. Identifiers: Orphanet 79118, MedGen C1857775, MONDO:0012436, OMIM 610199.

Allele frequency attached by ClinVar (database versions not stated): gnomAD 0.00152 and 0.00165; TOPMed 0.00155; 1000 Genomes Project 30x 0.00156; ESP Exome Variant Server 0.00169; 1000 Genomes Project 0.00180; gnomAD exomes 0.00014 and 0.00031; ExAC 0.00045.
gnomAD v4.1: 444 of 1,614,222 alleles (0.028%); highest among the groups gnomAD compares: African/African-American, 0.54%; 1 homozygote.

Submissions (8):

Labcorp Genetics (formerly Invitae), Labcorp
Classification: Benign. Last evaluated: 2025-12-17. Review status: criteria provided, single submitter. Criteria: Invitae Variant Classification Sherloc (09022015). Collection method: clinical testing. Allele origin: germline.

Blueprint Genetics
Classification: Likely benign. Last evaluated: 2024-07-19. Review status: criteria provided, single submitter. Criteria: ACMG Guidelines, 2015. Collection method: clinical testing. Allele origin: germline.

Women's Health and Genetics/Laboratory Corporation of America, LabCorp
Classification: Likely benign. Last evaluated: 2024-02-02. Review status: criteria provided, single submitter. Criteria: LabCorp Variant Classification Summary - May 2015. Collection method: clinical testing. Allele origin: germline.

CeGaT Center for Human Genetics Tuebingen
Classification: Likely benign. Last evaluated: 2023-01-01. Review status: criteria provided, single submitter. Criteria: CeGaT Center For Human Genetics Tuebingen Variant Classification Criteria Version 2. Collection method: clinical testing. Allele origin: germline. Affected: yes. Observed: 1 variant allele.
Comment: GLIS3: BP4, BP7

Illumina Laboratory Services, Illumina
Classification: Likely benign for Neonatal diabetes mellitus with congenital hypothyroidism. Last evaluated: 2018-01-13. Review status: criteria provided, single submitter. Criteria: ICSL Variant Classification Criteria 13 December 2019. Collection method: clinical testing. Allele origin: germline.
Comment: This variant was observed in the ICSL laboratory as part of a predisposition screen in an ostensibly healthy population. It had not been previously curated by ICSL or reported in the Human Gene Mutation Database (HGMD: prior to June 1st, 2018), and was therefore a candidate for classification through an automated scoring system. Utilizing variant allele frequency, disease prevalence and penetrance estimates, and inheritance mode, an automated score was calculated to assess if this variant is too frequent to cause the disease. Based on the score and internal cut-off values, a variant classified as likely benign is not then subjected to further curation. The score for this variant resulted in a classification of likely benign for this disease.

Genetic Services Laboratory, University of Chicago
Classification: Likely benign. Last evaluated: 2016-09-21. Review status: criteria provided, single submitter. Criteria: ACMG Guidelines, 2015. Collection method: clinical testing. Allele origin: germline. Affected: no.

Clinical Genomics, Uppaluri K&H Personalized Medicine Clinic
Classification: Benign for Transitory neonatal diabetes mellitus. Review status: criteria provided, single submitter. Criteria: K & H Uppaluri Personalized Medicine Clinic Variant Classification & Assertion Criteria_Updated V.1. Collection method: research. Allele origin: unknown.
Comment: Potent mutations in GLIS3 predisposes to neonatal diabetes mellitus with an extra pancreatic manifestation of hypothyroidism. It also predisposes to early onset diabetes in adults.However no sufficient evidence is found to ascertain the role of this particular variant rs75564360, yet.

PreventionGenetics, part of Exact Sciences
Classification: Likely benign for GLIS3-related condition. Last evaluated: 2020-01-14. Review status: no assertion criteria provided. Collection method: clinical testing. Allele origin: germline. Not counted in ClinVar's aggregate classification.
Comment: This variant is classified as likely benign based on ACMG/AMP sequence variant interpretation guidelines (Richards et al. 2015 PMID: 25741868, with internal and published modifications).

Literature cited by the submitters: PubMed 32693112 (cited by Clinical Genomics, Uppaluri K&H Personalized Medicine Clinic); PubMed 27899417 (cited by Clinical Genomics, Uppaluri K&H Personalized Medicine Clinic); PubMed 29992946 (cited by Clinical Genomics, Uppaluri K&H Personalized Medicine Clinic); PubMed 35394098 (cited by Clinical Genomics, Uppaluri K&H Personalized Medicine Clinic); PubMed 29146476 (cited by Clinical Genomics, Uppaluri K&H Personalized Medicine Clinic).